The following is an entry in ClinVar:

NM_000548.5(TSC2):c.764C>G (p.Pro255Arg)

Gene: TSC2 (TSC complex subunit 2; plus strand). Cytogenetic location: 16p13.3.
Variant type: single nucleotide variant.
Coding change: c.764C>G on transcript NM_000548.5 (MANE Select); coding-DNA position 764, C replaced by G.
Protein change: p.Pro255Arg; replaces proline 255 with arginine.
Molecular consequence: missense variant. On other transcripts: 5 prime UTR variant (10), non-coding transcript variant (5).
Genome position (GRCh38, 1-based): chr16:2,056,759, C>G. VCF-style: chr16-2056759-C-G. GRCh37 (hg19) VCF-style: chr16-2106760-C-G.
Other names: c.764C>G, p.Pro255Arg (NM_001077183.3, NM_001114382.3, NM_001363528.2 and 6 more transcripts); c.653C>G, p.Pro218Arg (NM_001318827.2, NM_001406670.1, NM_001406678.1); c.617C>G, p.Pro206Arg (NM_001318829.2, NM_001406675.1, NM_001406676.1 and 1 more transcripts); c.164C>G, p.Pro55Arg (NM_001318831.2, NM_001406683.1, NM_001406684.1 and 6 more transcripts); c.797C>G, p.Pro266Arg (NM_001318832.2); c.854C>G, p.Pro285Arg (NM_001406667.1, NM_001406668.1); c.-668C>G (NM_001406689.1, NM_001406690.1, NM_001406691.1 and 4 more transcripts); c.-549C>G (NM_001406694.1, NM_001406695.1); and 4 more; short protein forms P101R, P206R, P218R, P236R, P251R, P255R, P266R, P285R.
Identifiers: ClinVar variation 3071843 (VCV003071843.1), dbSNP rs2085896951, ClinGen allele CA394312807.

ClinVar aggregate classification (germline): Uncertain significance (1 of 4 stars; one submission).

Conditions:
Tuberous sclerosis syndrome (TSC). Also called: Tuberous Sclerosis Complex; Tuberous sclerosis. Identifiers: Orphanet 805, MedGen C0041341, MONDO:0001734.

Submission:

All of Us Research Program, National Institutes of Health
Classification: Uncertain significance for Tuberous sclerosis syndrome. Last evaluated: 2023-06-26. Review status: criteria provided, single submitter. Criteria: ACMG Guidelines, 2015. Collection method: clinical testing. Allele origin: germline. Inheritance: Autosomal dominant inheritance. Observed: 1 variant allele, 1 heterozygote.
Comment: This missense variant replaces proline with arginine at codon 255 of the TSC2 protein. Computational prediction suggests that this variant may not impact protein structure and function (internally defined REVEL score threshold <= 0.5, PMID: 27666373). To our knowledge, functional studies have not been reported for this variant. This variant has not been reported in individuals affected with TSC2-related disorders in the literature. This variant has not been identified in the general population by the Genome Aggregation Database (gnomAD). The available evidence is insufficient to determine the role of this variant in disease conclusively. Therefore, this variant is classified as a Variant of Uncertain Significance.

This study involves interpretation of variants in research participants for the purpose of population health screening. Participant phenotype was not available at the time of variant classification. Additional details can be found in publication PMID: 35346344, PMCID: PMC8962531